The following is an entry in ClinVar:

ClinVar aggregate classification (germline): Conflicting classifications of pathogenicity. Review status: criteria provided, conflicting classifications (1 of 4 stars). 10 submissions from 10 submitters: Uncertain significance (1); Benign (2); Likely benign (4). 3 of the submissions do not count toward it. Last evaluated 2026-02-02.

Conditions:
Autoinflammatory syndrome. Identifiers: Orphanet 93665, MedGen C3890737, MONDO:0019751.
Mevalonic aciduria (MEVA). Identifiers: Orphanet 29, MedGen C1959626, MONDO:0012481, OMIM 610377.
Porokeratosis 3, disseminated superficial actinic type (POROK3). Also called: POROKERATOSIS 3, MULTIPLE TYPES; POROKERATOSIS 3, MIBELLI TYPE; POROKERATOSIS, DISSEMINATED SUPERFICIAL ACTINIC, 1. Identifiers: MedGen C1867981, MONDO:0008293, OMIM 175900.
Hyperimmunoglobulin D with periodic fever (HIDS). Also called: Hyperimmunoglobulinemia D with periodic fever; HYPERIMMUNOGLOBULINEMIA D AND PERIODIC FEVER SYNDROME; Hyperimmunoglobulinemia D. Identifiers: Orphanet 343, MedGen C0398691, MONDO:0009849, OMIM 260920.

Allele frequency attached by ClinVar (database versions not stated): ExAC 0.00127; 1000 Genomes Project 30x 0.00312; 1000 Genomes Project 0.00339; gnomAD 0.00002 and 0.00042; TOPMed 0.00007; gnomAD exomes 0.00051 and 0.00118.
gnomAD v4.1: 829 of 1,611,848 alleles (0.051%); highest among the groups gnomAD compares: South Asian, 0.83%; 10 homozygotes.

Submissions (10):

Labcorp Genetics (formerly Invitae), Labcorp
Classification: Benign for Mevalonic aciduria; Hyperimmunoglobulin D with periodic fever; Porokeratosis 3, disseminated superficial actinic type. Last evaluated: 2026-02-02. Review status: criteria provided, single submitter. Criteria: Invitae Variant Classification Sherloc (09022015). Collection method: clinical testing. Allele origin: germline.

Blueprint Genetics
Classification: Likely benign. Last evaluated: 2024-11-06. Review status: criteria provided, single submitter. Criteria: ACMG Guidelines, 2015. Collection method: clinical testing. Allele origin: germline.

CeGaT Center for Human Genetics Tuebingen
Classification: Benign. Last evaluated: 2024-11-01. Review status: criteria provided, single submitter. Criteria: CeGaT Center For Human Genetics Tuebingen Variant Classification Criteria Version 2. Collection method: clinical testing. Allele origin: germline. Affected: yes. Observed: 1 variant allele.
Comment: MVK: BS1, BS2

ARUP Laboratories, Molecular Genetics and Genomics, ARUP Laboratories
Classification: Uncertain significance. Last evaluated: 2023-09-20. Review status: criteria provided, single submitter. Criteria: ARUP Molecular Germline Variant Investigation Process 2024. Collection method: clinical testing. Allele origin: germline.
Comment: The MVK c.1156G>A; p.Asp386Asn variant (rs104895380) is reported in the literature in one individual where tumor necrosis factor receptor-associated periodic syndrome was suspected but the role of pathogenicity of this variant was unclear (Ueda 2016) and is reported in one individual with hyper-IgD syndrome (see Infevers database link). This variant is also reported in ClinVar (Variation ID: 97571). This variant is found in the South Asian population with an allele frequency of 0.9% (276/30616 alleles, including 7 homozygotes) in the Genome Aggregation Database. Computational analyses are uncertain whether this variant is neutral or deleterious (REVEL: 0.319). While the high population frequency suggests that this is likely a benign variant, given the lack of clinical and functional data, the significance of this variant is uncertain at this time. References: Link to Infevers database: Ueda N et al. Clinical and Genetic Features of Patients With TNFRSF1A Variants in Japan: Findings of a Nationwide Survey. Arthritis Rheumatol. 2016 Nov;68(11):2760-2771. PMID: 27332769.

Genome Diagnostics Laboratory, The Hospital for Sick Children
Classification: Likely benign for Autoinflammatory syndrome. Last evaluated: 2021-04-05. Review status: criteria provided, single submitter. Criteria: ACMG Guidelines, 2015. Collection method: clinical testing. Allele origin: germline. Affected: yes.

Mendelics
Classification: Likely benign for Hyperimmunoglobulin D with periodic fever. Last evaluated: 2019-05-28. Review status: criteria provided, single submitter. Criteria: Mendelics Assertion Criteria 2017. Collection method: clinical testing. Allele origin: unknown.

GeneDx
Classification: Likely benign. Last evaluated: 2019-05-09. Review status: criteria provided, single submitter. Criteria: GeneDx Variant Classification Process June 2021. Collection method: clinical testing. Allele origin: germline. Affected: yes.
Comment: This variant is associated with the following publications: (PMID: 27332769)

Clinical Genetics DNA and cytogenetics Diagnostics Lab, Erasmus MC, Erasmus Medical Center
Classification: Uncertain significance. Review status: no assertion criteria provided. Collection method: clinical testing. Allele origin: germline. Affected: yes. Study: VKGL Data-share Consensus. Not counted in ClinVar's aggregate classification.

Genome Diagnostics Laboratory, University Medical Center Utrecht
Classification: Uncertain significance. Review status: no assertion criteria provided. Collection method: clinical testing. Allele origin: germline. Affected: yes. Study: VKGL Data-share Consensus. Not counted in ClinVar's aggregate classification.

Unité médicale des maladies autoinflammatoires, CHRU Montpellier
No classification provided. Condition: Hyperimmunoglobulin D with periodic fever. Review status: no classification provided. Collection method: not provided. Allele origin: unknown. Not counted in ClinVar's aggregate classification.
Comment: also involved in OMIM 25117

NM_000431.4(MVK):c.1156G>A (p.Asp386Asn)

Gene: MVK (mevalonate kinase; plus strand). Cytogenetic location: 12q24.11.
Variant type: single nucleotide variant.
Coding change: c.1156G>A on transcript NM_000431.4 (MANE Select); coding-DNA position 1156, G replaced by A.
Protein change: p.Asp386Asn; replaces aspartic acid 386 with asparagine.
Molecular consequence: missense variant.
Genome position (GRCh38, 1-based): chr12:109,596,542, G>A. VCF-style: chr12-109596542-G-A. GRCh37 (hg19) VCF-style: chr12-110034347-G-A.
Other names: c.1156G>A (LRG_156t1); c.1156G>A, p.Asp386Asn (NM_001114185.3); c.1000G>A, p.Asp334Asn (NM_001301182.2); short protein forms D386N, D334N.
Identifiers: ClinVar variation 97571 (VCV000097571.37), dbSNP rs104895380, ClinGen allele CA149792.